The following is an entry in ClinVar:

NM_001987.5(ETV6):c.2T>G (p.Met1Arg)

Gene: ETV6 (ETS variant transcription factor 6; plus strand). Cytogenetic location: 12p13.2.
Variant type: single nucleotide variant.
Coding change: c.2T>G on transcript NM_001987.5 (MANE Select); coding-DNA position 2, T replaced by G.
Protein change: p.Met1Arg; changes the start codon (methionine 1).
Molecular consequence: missense variant, initiator codon variant. On other transcripts: 5 prime UTR variant (2).
Genome position (GRCh38, 1-based): chr12:11,650,129, T>G. VCF-style: chr12-11650129-T-G. GRCh37 (hg19) VCF-style: chr12-11803063-T-G.
Other names: c.2T>G, p.Met1Arg (NM_001413913.1, NM_001413916.1, NM_001413917.1 and 1 more transcripts); c.-151T>G (NM_001413914.1); c.-133T>G (NM_001413915.1); short protein forms M1R.
Identifiers: ClinVar variation 4618868 (VCV004618868.1).

ClinVar aggregate classification (germline): Uncertain significance (1 of 4 stars; one submission).

Conditions:
Inborn genetic diseases. Identifiers: MedGen C0950123, MeSH D030342.

Submission:

Ambry Genetics
Classification: Uncertain significance for Inborn genetic diseases. Last evaluated: 2025-12-11. Review status: criteria provided, single submitter. Criteria: Ambry Variant Classification Scheme 2023. Collection method: clinical testing. Allele origin: germline.
Comment: The p.M1? variant (also known as c.2T>G) is located in coding exon 1 of the ETV6 gene and results from a T to G substitution at nucleotide position 2. This alters the methionine residue at the initiation codon (ATG). This variant is considered to be rare based on population cohorts in the Genome Aggregation Database (gnomAD). This amino acid position is highly conserved in available vertebrate species. Variations that modify the initiation codon (ATG) are expected to result in either loss of translation initiation, N-terminal truncation, or cause a shift in the mRNA reading frame; however, there is an in-frame methionine 43 amino acids from the initiation site, which may result in N-terminal truncation of unknown functional significance.